The following is an entry in ClinVar:

ClinVar aggregate classification (germline): Uncertain significance (1 of 4 stars; one submission).

gnomAD v4.1: 5 of 1,600,856 alleles (0.00031%); highest among the groups gnomAD compares: East Asian, 0.0089%; no homozygotes.

Submission:

Labcorp Genetics (formerly Invitae), Labcorp
Classification: Uncertain significance. Last evaluated: 2025-05-07. Review status: criteria provided, single submitter. Criteria: Invitae Variant Classification Sherloc (09022015). Collection method: clinical testing. Allele origin: germline.
Comment: This sequence change replaces proline, which is neutral and non-polar, with arginine, which is basic and polar, at codon 59 of the IFT88 protein (p.Pro59Arg). This variant is present in population databases (rs779248441, gnomAD 0.02%). This variant has not been reported in the literature in individuals affected with IFT88-related conditions. An algorithm developed to predict the effect of missense changes on protein structure and function (PolyPhen-2) suggests that this variant is likely to be tolerated. In summary, the available evidence is currently insufficient to determine the role of this variant in disease. Therefore, it has been classified as a Variant of Uncertain Significance.

NM_006531.5(IFT88):c.149C>G (p.Pro50Arg)

Gene: IFT88 (intraflagellar transport 88; plus strand). Cytogenetic location: 13q12.11.
Variant type: single nucleotide variant.
Coding change: c.149C>G on transcript NM_006531.5 (MANE Select); coding-DNA position 149, C replaced by G.
Protein change: p.Pro50Arg; replaces proline 50 with arginine.
Molecular consequence: missense variant. On other transcripts: 5 prime UTR variant (1), non-coding transcript variant (5).
Genome position (GRCh38, 1-based): chr13:20,583,015, C>G. VCF-style: chr13-20583015-C-G. GRCh37 (hg19) VCF-style: chr13-21157154-C-G.
Other names: c.149C>G, p.Pro50Arg (NM_001318491.2, NM_001353568.2, NM_001353571.2 and 5 more transcripts); c.176C>G, p.Pro59Arg (NM_001318493.2, NM_001353565.2, NM_001353566.2 and 6 more transcripts); c.-415C>G (NM_001353579.2); short protein forms P59R, P50R.
Identifiers: ClinVar variation 4692855 (VCV004692855.1).